The following is an entry in ClinVar:

NM_000393.5(COL5A2):c.1298C>T (p.Pro433Leu)

Gene: COL5A2 (collagen type V alpha 2 chain; minus strand). Cytogenetic location: 2q32.2.
Variant type: single nucleotide variant.
Coding change: c.1298C>T on transcript NM_000393.5 (MANE Select); coding-DNA position 1298, C replaced by T.
Protein change: p.Pro433Leu; replaces proline 433 with leucine.
Molecular consequence: missense variant.
Genome position (GRCh38, 1-based): chr2:189,068,230, G>A on the plus strand (C>T on the coding strand, the complement: COL5A2 is on the minus strand). VCF-style: chr2-189068230-G-A. GRCh37 (hg19) VCF-style: chr2-189932956-G-A.
Other names: short protein forms P433L.
Identifiers: ClinVar variation 4281951 (VCV004281951.1).
Genomic context (GRCh38, chr2:189,068,230, plus strand): 5'-AATGTCTAAAGAATCATGCCCATTTGAGCTTCACATGCCATAAATGCAGTACTCACCGTT[G>A]GGCCTTTGGCACCAGGAGTACCATCAGTTCCTATTGCACCCTAAAAGGTACATTAAAAGT-3'
Protein context (NP_000384.2, residues 423-443): GTDGTPGAKG[Pro433Leu]TGSPGTSGPP

ClinVar aggregate classification (germline): Uncertain significance (1 of 4 stars; one submission).

gnomAD v4.1: 4 of 1,613,600 alleles (0.00025%); highest among the groups gnomAD compares: African/African-American, 0.004%; no homozygotes.

Submission:

GeneDx
Classification: Uncertain significance. Last evaluated: 2025-04-08. Review status: criteria provided, single submitter. Criteria: GeneDx Variant Classification Process June 2021. Collection method: clinical testing. Allele origin: germline. Affected: yes.
Comment: Not observed at significant frequency in large population cohorts (gnomAD); In silico analysis indicates that this missense variant does not alter protein structure/function; Has not been previously published as pathogenic or benign to our knowledge